The following is an entry in ClinVar:

ClinVar aggregate classification (germline): Uncertain significance (1 of 4 stars; one submission).

gnomAD v4.1: 3 of 1,606,528 alleles (0.00019%); highest among the groups gnomAD compares: Non-Finnish European, 0.00017%; no homozygotes.

Submission:

Ambry Genetics
Classification: Uncertain significance. Last evaluated: 2025-03-17. Review status: criteria provided, single submitter. Criteria: Ambry Variant Classification Scheme 2023. Collection method: clinical testing. Allele origin: germline.
Comment: The p.V769L variant (also known as c.2305G>C), located in coding exon 10 of the WNK2 gene, results from a G to C substitution at nucleotide position 2305. The valine at codon 769 is replaced by leucine, an amino acid with highly similar properties. This amino acid position is conserved. In addition, this alteration is predicted to be tolerated by in silico analysis. Based on the available evidence, the clinical significance of this variant remains unclear.

NM_006648.4(WNK2):c.2305G>C (p.Val769Leu)

Gene: WNK2 (WNK lysine deficient protein kinase 2; plus strand). Cytogenetic location: 9q22.31.
Variant type: single nucleotide variant.
Coding change: c.2305G>C on transcript NM_006648.4 (MANE Select); coding-DNA position 2305, G replaced by C.
Protein change: p.Val769Leu; replaces valine 769 with leucine.
Molecular consequence: missense variant.
Genome position (GRCh38, 1-based): chr9:93,257,062, G>C. VCF-style: chr9-93257062-G-C. GRCh37 (hg19) VCF-style: chr9-96019344-G-C.
Other names: c.2305G>C, p.Val769Leu (NM_001282394.3); short protein forms V769L.
Identifiers: ClinVar variation 3981658 (VCV003981658.1).